The following is an entry in ClinVar:

ClinVar aggregate classification (germline): Uncertain significance (1 of 4 stars; one submission).

Conditions:
Syndromic multisystem autoimmune disease due to ITCH deficiency. Also called: AUTOIMMUNE DISEASE, MULTISYSTEM, WITH FACIAL DYSMORPHISM. Identifiers: Orphanet 228426, MedGen C3150649, MONDO:0013245, OMIM 613385.

Submission:

Labcorp Genetics (formerly Invitae), Labcorp
Classification: Uncertain significance for Syndromic multisystem autoimmune disease due to ITCH deficiency. Last evaluated: 2022-03-04. Review status: criteria provided, single submitter. Criteria: Invitae Variant Classification Sherloc (09022015). Collection method: clinical testing. Allele origin: germline.
Comment: This sequence change replaces proline, which is neutral and non-polar, with serine, which is neutral and polar, at codon 218 of the ITCH protein (p.Pro218Ser). In summary, the available evidence is currently insufficient to determine the role of this variant in disease. Therefore, it has been classified as a Variant of Uncertain Significance. Algorithms developed to predict the effect of missense changes on protein structure and function are either unavailable or do not agree on the potential impact of this missense change (SIFT: "Not Available"; PolyPhen-2: "Probably Damaging"; Align-GVGD: "Not Available"). This variant has not been reported in the literature in individuals affected with ITCH-related conditions. This variant is not present in population databases (gnomAD no frequency).

NM_031483.7(ITCH):c.652C>T (p.Pro218Ser)

Gene: ITCH (itchy E3 ubiquitin protein ligase; plus strand). Cytogenetic location: 20q11.22.
Variant type: single nucleotide variant.
Coding change: c.652C>T on transcript NM_031483.7 (MANE Select); coding-DNA position 652, C replaced by T.
Protein change: p.Pro218Ser; replaces proline 218 with serine.
Molecular consequence: missense variant.
Genome position (GRCh38, 1-based): chr20:34,438,604, C>T. VCF-style: chr20-34438604-C-T. GRCh37 (hg19) VCF-style: chr20-33026409-C-T.
Other names: c.775C>T, p.Pro259Ser (NM_001257137.3, NM_001324197.2); c.322C>T, p.Pro108Ser (NM_001257138.3); c.652C>T, p.Pro218Ser (NM_001324198.2); short protein forms P259S, P108S, P218S.
Identifiers: ClinVar variation 2106810 (VCV002106810.4), dbSNP rs1983340002, ClinGen allele CA408662765.